The following is an entry in ClinVar:

ClinVar aggregate classification (germline): Likely benign. Review status: criteria provided, multiple submitters, no conflicts (2 of 4 stars). 4 submissions from 4 submitters: Likely benign (4). Last evaluated 2024-10-01.

Conditions:
Cardiovascular phenotype. Identifiers: MedGen CN230736.
Arrhythmogenic right ventricular cardiomyopathy (ARVD). Also called: Cardiomyopathy, ARVC; Arrhythmogenic right ventricular dysplasia; Arrhythmogenic cardiomyopathy; Arrhythmogenic Right Ventricular Cardiomyopathy (ARVC). Identifiers: Orphanet 247, MedGen C0349788, MeSH D019571, MONDO:0016587. Disease mechanism: loss of function. Inheritance: Various modes of inheritance.
Cardiomyopathy (CMYO). Also called: Cardiomyopathies. Identifiers: Orphanet 167848, MedGen C0878544, MONDO:0004994, HP:0001638. Inheritance: Various modes of inheritance.
Arrhythmogenic right ventricular dysplasia 9 (ARVD9). Also called: Arrhythmogenic Right Ventricular Dysplasia/Cardiomyopathy 9; ARRHYTHMOGENIC RIGHT VENTRICULAR DYSPLASIA, FAMILIAL, 9. Identifiers: MedGen C1836906, MONDO:0012180, OMIM 609040.

gnomAD v4.1: 6 of 1,614,200 alleles (0.00037%); highest among the groups gnomAD compares: Non-Finnish European, 0.00051%; no homozygotes.

Submissions (4):

Labcorp Genetics (formerly Invitae), Labcorp
Classification: Likely benign for Arrhythmogenic right ventricular dysplasia 9. Last evaluated: 2024-10-01. Review status: criteria provided, single submitter. Criteria: Invitae Variant Classification Sherloc (09022015). Collection method: clinical testing. Allele origin: germline.

Ambry Genetics
Classification: Likely benign for Cardiovascular phenotype. Last evaluated: 2023-08-03. Review status: criteria provided, single submitter. Criteria: Ambry Variant Classification Scheme 2023. Collection method: clinical testing. Allele origin: germline.

All of Us Research Program, National Institutes of Health
Classification: Likely benign for Arrhythmogenic right ventricular cardiomyopathy. Last evaluated: 2023-06-26. Review status: criteria provided, single submitter. Criteria: ACMG Guidelines, 2015. Collection method: clinical testing. Allele origin: germline. Inheritance: Autosomal dominant inheritance. Observed: 2 variant alleles, 2 heterozygotes.
Comment: This study involves interpretation of variants in research participants for the purpose of population health screening. Participant phenotype was not available at the time of variant classification. Additional details can be found in publication PMID: 35346344, PMCID: PMC8962531

Color Diagnostics, LLC DBA Color Health
Classification: Likely benign for Cardiomyopathy. Last evaluated: 2022-11-06. Review status: criteria provided, single submitter. Criteria: ACMG Guidelines, 2015. Collection method: clinical testing. Allele origin: germline.

NM_001005242.3(PKP2):c.672C>T (p.Gly224=)

Gene: PKP2 (plakophilin 2; minus strand). Cytogenetic location: 12p11.21.
Variant type: single nucleotide variant.
Coding change: c.672C>T on transcript NM_001005242.3 (MANE Select); coding-DNA position 672, C replaced by T.
Protein change: p.Gly224=; no amino-acid change (glycine 224 retained).
Molecular consequence: synonymous variant.
Genome position (GRCh38, 1-based): chr12:32,878,208, G>A on the plus strand (C>T on the coding strand, the complement: PKP2 is on the minus strand). VCF-style: chr12-32878208-G-A. GRCh37 (hg19) VCF-style: chr12-33031142-G-A.
Other names: c.672C>T, p.Gly224= (NM_004572.4); c.672C>T (NM_004572.3).
Identifiers: ClinVar variation 1157192 (VCV001157192.11), dbSNP rs2137948758, ClinGen allele CA479387570.